The following is an entry in ClinVar:

NM_000435.3(NOTCH3):c.467G>A (p.Arg156Gln)

Gene: NOTCH3 (notch receptor 3; minus strand). Cytogenetic location: 19p13.12.
Variant type: single nucleotide variant.
Coding change: c.467G>A on transcript NM_000435.3 (MANE Select); coding-DNA position 467, G replaced by A.
Protein change: p.Arg156Gln; replaces arginine 156 with glutamine.
Molecular consequence: missense variant.
Genome position (GRCh38, 1-based): chr19:15,192,172, C>T on the plus strand (G>A on the coding strand, the complement: NOTCH3 is on the minus strand). VCF-style: chr19-15192172-C-T. GRCh37 (hg19) VCF-style: chr19-15302983-C-T.
Other names: short protein forms R156Q.
Identifiers: ClinVar variation 1446857 (VCV001446857.7), dbSNP rs142492710, ClinGen allele CA9263879.

ClinVar aggregate classification (germline): Uncertain significance. Review status: criteria provided, multiple submitters, no conflicts (2 of 4 stars). 2 submissions from 2 submitters: Uncertain significance (2). Last evaluated 2022-01-20.

Allele frequency attached by ClinVar (database versions not stated): ExAC 0.00001; gnomAD exomes 0.00001; TOPMed 0.00001; ESP Exome Variant Server 0.00008.
gnomAD v4.1: 8 of 1,612,612 alleles (0.0005%); highest among the groups gnomAD compares: East Asian, 0.0045%; no homozygotes.

Submissions (2):

Blueprint Genetics
Classification: Uncertain significance. Last evaluated: 2022-01-20. Review status: criteria provided, single submitter. Criteria: ACMG Guidelines, 2015. Collection method: clinical testing. Allele origin: germline.

Labcorp Genetics (formerly Invitae), Labcorp
Classification: Uncertain significance. Last evaluated: 2021-07-28. Review status: criteria provided, single submitter. Criteria: Invitae Variant Classification Sherloc (09022015). Collection method: clinical testing. Allele origin: germline.
Comment: Advanced modeling of protein sequence and biophysical properties (such as structural, functional, and spatial information, amino acid conservation, physicochemical variation, residue mobility, and thermodynamic stability) performed at Invitae indicates that this missense variant is not expected to disrupt NOTCH3 protein function. In summary, the available evidence is currently insufficient to determine the role of this variant in disease. Therefore, it has been classified as a Variant of Uncertain Significance. This variant has not been reported in the literature in individuals affected with NOTCH3-related conditions. This variant is present in population databases (rs142492710, ExAC 0.01%). This sequence change replaces arginine with glutamine at codon 156 of the NOTCH3 protein (p.Arg156Gln). The arginine residue is highly conserved and there is a small physicochemical difference between arginine and glutamine.